The following is an entry in ClinVar:

ClinVar aggregate classification (germline): Uncertain significance. Review status: criteria provided, multiple submitters, no conflicts (2 of 4 stars). 2 submissions from 2 submitters: Uncertain significance (2). Last evaluated 2024-02-06.

Conditions:
Hypertrophic cardiomyopathy 26. Also called: Cardiomyopathy, familial hypertrophic, 26. Identifiers: Orphanet 75249, MedGen C4310749, MONDO:0014883, OMIM 617047.
Myofibrillar myopathy 5. Also called: Filaminopathy (type); FILAMINOPATHY, AUTOSOMAL DOMINANT. Identifiers: Orphanet 171445, MedGen C1836050, MONDO:0012289, OMIM 609524.
Distal myopathy with posterior leg and anterior hand involvement. Also called: WILLIAMS DISTAL MYOPATHY. Identifiers: Orphanet 63273, MedGen C3279722, MONDO:0013550, OMIM 614065.
Cardiovascular phenotype. Identifiers: MedGen CN230736.

Submissions (2):

Ambry Genetics
Classification: Uncertain significance for Cardiovascular phenotype. Last evaluated: 2024-02-06. Review status: criteria provided, single submitter. Criteria: Ambry Variant Classification Scheme 2023. Collection method: clinical testing. Allele origin: germline.
Comment: The p.C2088Y variant (also known as c.6263G>A), located in coding exon 38 of the FLNC gene, results from a G to A substitution at nucleotide position 6263. The cysteine at codon 2088 is replaced by tyrosine, an amino acid with highly dissimilar properties. This amino acid position is conserved. In addition, this alteration is predicted to be deleterious by in silico analysis. Based on the available evidence, the clinical significance of this alteration remains unclear.

Labcorp Genetics (formerly Invitae), Labcorp
Classification: Uncertain significance for Distal myopathy with posterior leg and anterior hand involvement; Myofibrillar myopathy 5; Hypertrophic cardiomyopathy 26. Last evaluated: 2023-09-06. Review status: criteria provided, single submitter. Criteria: Invitae Variant Classification Sherloc (09022015). Collection method: clinical testing. Allele origin: germline.
Comment: In summary, the available evidence is currently insufficient to determine the role of this variant in disease. Therefore, it has been classified as a Variant of Uncertain Significance. Advanced modeling of protein sequence and biophysical properties (such as structural, functional, and spatial information, amino acid conservation, physicochemical variation, residue mobility, and thermodynamic stability) has been performed at Invitae for this missense variant, however the output from this modeling did not meet the statistical confidence thresholds required to predict the impact of this variant on FLNC protein function. This variant has not been reported in the literature in individuals affected with FLNC-related conditions. This variant is not present in population databases (gnomAD no frequency). This sequence change replaces cysteine, which is neutral and slightly polar, with tyrosine, which is neutral and polar, at codon 2088 of the FLNC protein (p.Cys2088Tyr).

NM_001458.5(FLNC):c.6263G>A (p.Cys2088Tyr)

Genes: FLNC-AS1 (FLNC antisense RNA 1; minus strand), FLNC (filamin C; plus strand). Cytogenetic location: 7q32.1.
Variant type: single nucleotide variant.
Coding change: c.6263G>A on transcript NM_001458.5 (MANE Select); coding-DNA position 6263, G replaced by A.
Protein change: p.Cys2088Tyr; replaces cysteine 2088 with tyrosine.
Molecular consequence: missense variant.
Genome position (GRCh38, 1-based): chr7:128,853,523, G>A. VCF-style: chr7-128853523-G-A. GRCh37 (hg19) VCF-style: chr7-128493577-G-A.
Other names: c.6164G>A, p.Cys2055Tyr (NM_001127487.2); short protein forms C2088Y, C2055Y.
Identifiers: ClinVar variation 2937353 (VCV002937353.4), dbSNP rs2536662103, ClinGen allele CA369211935.